The following is an entry in ClinVar:

ClinVar aggregate classification (germline): Uncertain significance (1 of 4 stars; one submission).

Submission:

Labcorp Genetics (formerly Invitae), Labcorp
Classification: Uncertain significance. Last evaluated: 2025-07-02. Review status: criteria provided, single submitter. Criteria: Invitae Variant Classification Sherloc (09022015). Collection method: clinical testing. Allele origin: germline.
Comment: This sequence change replaces leucine, which is neutral and non-polar, with valine, which is neutral and non-polar, at codon 1948 of the CACNA1D protein (p.Leu1948Val). This variant is not present in population databases (gnomAD no frequency). This variant has not been reported in the literature in individuals affected with CACNA1D-related conditions. An algorithm developed to predict the effect of missense changes on protein structure and function (PolyPhen-2) suggests that this variant is likely to be disruptive. In summary, the available evidence is currently insufficient to determine the role of this variant in disease. Therefore, it has been classified as a Variant of Uncertain Significance.

NM_001128840.3(CACNA1D):c.5782C>G (p.Leu1928Val)

Gene: CACNA1D (calcium voltage-gated channel subunit alpha1 D; plus strand). Cytogenetic location: 3p21.1.
Variant type: single nucleotide variant.
Coding change: c.5782C>G on transcript NM_001128840.3 (MANE Select); coding-DNA position 5782, C replaced by G.
Protein change: p.Leu1928Val; replaces leucine 1928 with valine.
Molecular consequence: missense variant.
Genome position (GRCh38, 1-based): chr3:53,808,681, C>G. VCF-style: chr3-53808681-C-G. GRCh37 (hg19) VCF-style: chr3-53842708-C-G.
Other names: c.5842C>G, p.Leu1948Val (NM_000720.4); c.5710C>G, p.Leu1904Val (NM_001128839.3); short protein forms L1928V, L1904V, L1948V.
Identifiers: ClinVar variation 4778060 (VCV004778060.1).